The following is an entry in ClinVar:

ClinVar aggregate classification (germline): Uncertain significance (1 of 4 stars; one submission).

Submission:

Labcorp Genetics (formerly Invitae), Labcorp
Classification: Uncertain significance. Last evaluated: 2024-06-23. Review status: criteria provided, single submitter. Criteria: Invitae Variant Classification Sherloc (09022015). Collection method: clinical testing. Allele origin: germline.
Comment: This sequence change falls in intron 18 of the PRPF6 gene. It does not directly change the encoded amino acid sequence of the PRPF6 protein. This variant is not present in population databases (gnomAD no frequency). This variant has not been reported in the literature in individuals affected with PRPF6-related conditions. ClinVar contains an entry for this variant (Variation ID: 2165284). In summary, the available evidence is currently insufficient to determine the role of this variant in disease. Therefore, it has been classified as a Variant of Uncertain Significance.

NM_012469.4(PRPF6):c.2431+14_2431+15insTGACTCCGGTAAGGGGGTGCCC

Gene: PRPF6 (pre-mRNA processing factor 6; plus strand). Cytogenetic location: 20q13.33.
Variant type: Insertion.
Coding change: c.2431+14_2431+15insTGACTCCGGTAAGGGGGTGCCC on transcript NM_012469.4 (MANE Select); bases 14 to 15 of the intron after coding-DNA position 2431, TGACTCCGGTAAGGGGGTGCCC inserted.
Molecular consequence: splice donor variant.
Genome position: GRCh38 VCF-style: chr20-64028563-A-AACTCCGGTAAGGGGGTGCCCTG. GRCh37 (hg19) VCF-style: chr20-62659916-A-AACTCCGGTAAGGGGGTGCCCTG.
Identifiers: ClinVar variation 2165284 (VCV002165284.4), dbSNP rs2517653007, ClinGen allele CA2580098486.